The following is an entry in ClinVar:

NM_025137.4(SPG11):c.442+4_442+7del

Gene: SPG11 (SPG11 vesicle trafficking associated, spatacsin; minus strand). Cytogenetic location: 15q21.1.
Variant type: Microsatellite.
Coding change: c.442+4_442+7del on transcript NM_025137.4 (MANE Select); bases 4 to 7 of the intron after coding-DNA position 442, 4 bases deleted (AGTA; older notation c.442+4_442+7delAGTA).
Molecular consequence: splice donor variant.
Genome position (GRCh38, 1-based): chr15:44,660,425-44,660,428, TACT deleted on the plus strand (AGTA on the coding strand, the reverse complement: SPG11 is on the minus strand); deleting any 4 consecutive bases within chr15:44,660,425-44,660,432 gives the same sequence; the c. name uses the placement nearest the transcript's 3' end. VCF-style (leftmost placement, unchanged base first): chr15-44660424-ATACT-A. GRCh37 (hg19) VCF-style: chr15-44952622-ATACT-A.
Other names: c.442+4_442+7del (NM_001411132.1, NM_001160227.2).
Identifiers: ClinVar variation 2750026 (VCV002750026.3), dbSNP rs2505775333, ClinGen allele CA2697554448.

ClinVar aggregate classification (germline): Likely pathogenic (1 of 4 stars; one submission).

Conditions:
Hereditary spastic paraplegia 11. Also called: Nakamura Osame syndrome; Autosomal recessive hereditary spastic paraplegia, mental impairment, and thin corpus callosum; Spastic paraplegia, mental retardation and thin corpus callosum; SPASTIC PARAPLEGIA, AUTOSOMAL RECESSIVE, COMPLICATED, WITH THIN CORPUS CALLOSUM; SPASTIC PARAPLEGIA, AUTOSOMAL RECESSIVE, WITH MENTAL IMPAIRMENT AND THIN CORPUS CALLOSUM; Spastic Paraplegia 11. Identifiers: Orphanet 2822, MedGen C1858479, MONDO:0011445, OMIM 604360.

Submission:

Labcorp Genetics (formerly Invitae), Labcorp
Classification: Likely pathogenic for Hereditary spastic paraplegia 11. Last evaluated: 2023-10-26. Review status: criteria provided, single submitter. Criteria: Invitae Variant Classification Sherloc (09022015). Collection method: clinical testing. Allele origin: germline.
Comment: This sequence change falls in intron 2 of the SPG11 gene. It does not directly change the encoded amino acid sequence of the SPG11 protein. It affects a nucleotide within the consensus splice site. This variant is not present in population databases (gnomAD no frequency). This variant has been observed in individual(s) with clinical features of SPG11-related conditions (Invitae). In at least one individual the data is consistent with being in trans (on the opposite chromosome) from a pathogenic variant. It has also been observed to segregate with disease in related individuals. Variants that disrupt the consensus splice site are a relatively common cause of aberrant splicing (PMID: 17576681, 9536098). Algorithms developed to predict the effect of sequence changes on RNA splicing suggest that this variant may disrupt the consensus splice site. In summary, the currently available evidence indicates that the variant is pathogenic, but additional data are needed to prove that conclusively. Therefore, this variant has been classified as Likely Pathogenic.

Literature cited by the submitters: PubMed 17576681; PubMed 9536098.